The following is an entry in ClinVar:

ClinVar aggregate classification (germline): Uncertain significance (1 of 4 stars; one submission).

Conditions:
Fanconi anemia (FA). Also called: Fanconi's anemia. Identifiers: Orphanet 84, MedGen C0015625, MeSH D005199, MONDO:0019391.

Submission:

Labcorp Genetics (formerly Invitae), Labcorp
Classification: Uncertain significance for Fanconi anemia. Last evaluated: 2023-07-18. Review status: criteria provided, single submitter. Criteria: Invitae Variant Classification Sherloc (09022015). Collection method: clinical testing. Allele origin: germline.
Comment: This sequence change replaces proline, which is neutral and non-polar, with alanine, which is neutral and non-polar, at codon 637 of the FANCI protein (p.Pro637Ala). Information on the frequency of this variant in the gnomAD database is not available, as this variant may be reported differently in the database. In summary, the available evidence is currently insufficient to determine the role of this variant in disease. Therefore, it has been classified as a Variant of Uncertain Significance. Experimental studies and prediction algorithms are not available or were not evaluated, and the functional significance of this variant is currently unknown. This variant has not been reported in the literature in individuals affected with FANCI-related conditions.

NM_001113378.2(FANCI):c.1908_1909delinsAG (p.Pro637Ala)

Gene: FANCI (FA complementation group I; plus strand). Cytogenetic location: 15q26.1.
Variant type: Indel.
Coding change: c.1908_1909delinsAG on transcript NM_001113378.2 (MANE Select); coding-DNA positions 1908 to 1909, GC replaced by AG.
Protein change: p.Pro637Ala; replaces proline 637 with alanine.
Molecular consequence: missense variant.
Genome position (GRCh38, 1-based): chr15:89,291,630-89,291,631, GC replaced by AG. VCF-style: chr15-89291630-GC-AG. GRCh37 (hg19) VCF-style: chr15-89834861-GC-AG.
Other names: c.1629_1630delinsAG, p.Pro544Ala (NM_001376910.1); c.1908_1909delinsAG, p.Pro637Ala (NM_001376911.1, NM_018193.3); short protein forms P544A, P637A.
Identifiers: ClinVar variation 2870452 (VCV002870452.3), dbSNP rs2507355594, ClinGen allele CA2739269651.